The following is an entry in ClinVar:

NM_000334.4(SCN4A):c.830G>A (p.Arg277Lys)

Gene: SCN4A (sodium voltage-gated channel alpha subunit 4; minus strand). Cytogenetic location: 17q23.3.
Variant type: single nucleotide variant.
Coding change: c.830G>A on transcript NM_000334.4 (MANE Select); coding-DNA position 830, G replaced by A.
Protein change: p.Arg277Lys; replaces arginine 277 with lysine.
Molecular consequence: missense variant.
Genome position (GRCh38, 1-based): chr17:63,968,229, C>T on the plus strand (G>A on the coding strand, the complement: SCN4A is on the minus strand). VCF-style: chr17-63968229-C-T. GRCh37 (hg19) VCF-style: chr17-62045589-C-T.
Other names: short protein forms R277K.
Identifiers: ClinVar variation 2742320 (VCV002742320.3), dbSNP rs1340676381, ClinGen allele CA400637611.

ClinVar aggregate classification (germline): Uncertain significance (1 of 4 stars; one submission).

Conditions:
Hyperkalemic periodic paralysis. Also called: Familial hyperkalemic periodic paralysis; Gamstorp disease. Identifiers: Orphanet 682, MedGen C0238357, MONDO:0008224, OMIM 170500, HP:0007215.

Allele frequency attached by ClinVar (database versions not stated): gnomAD exomes below 0.00001; TOPMed 0.00001.
gnomAD v4.1: 5 of 1,614,072 alleles (0.00031%); highest among the groups gnomAD compares: Non-Finnish European, 0.00042%; no homozygotes.

Submission:

Labcorp Genetics (formerly Invitae), Labcorp
Classification: Uncertain significance for Hyperkalemic periodic paralysis. Last evaluated: 2023-04-10. Review status: criteria provided, single submitter. Criteria: Invitae Variant Classification Sherloc (09022015). Collection method: clinical testing. Allele origin: germline.
Comment: Advanced modeling of protein sequence and biophysical properties (such as structural, functional, and spatial information, amino acid conservation, physicochemical variation, residue mobility, and thermodynamic stability) performed at Invitae indicates that this missense variant is not expected to disrupt SCN4A protein function. This variant has not been reported in the literature in individuals affected with SCN4A-related conditions. This variant is present in population databases (no rsID available, gnomAD 0.0009%). This sequence change replaces arginine, which is basic and polar, with lysine, which is basic and polar, at codon 277 of the SCN4A protein (p.Arg277Lys). In summary, the available evidence is currently insufficient to determine the role of this variant in disease. Therefore, it has been classified as a Variant of Uncertain Significance.